The following is an entry in ClinVar:

ClinVar aggregate classification (germline): Likely benign. Review status: criteria provided, multiple submitters, no conflicts (2 of 4 stars). 4 submissions from 4 submitters: Likely benign (4). Last evaluated 2026-08-11.

Conditions:
PLEC-related disorder. Also called: PLEC-related disorders; PLEC-related condition.
Autosomal recessive limb-girdle muscular dystrophy type 2Q (LGMDR17). Also called: MUSCULAR DYSTROPHY, LIMB-GIRDLE, AUTOSOMAL RECESSIVE 17. Identifiers: Orphanet 254361, MedGen C3150989, MONDO:0013390, OMIM 613723.
Epidermolysis bullosa simplex with nail dystrophy (EBS5D). Identifiers: MedGen C4225309, MONDO:0014661, OMIM 616487.
Epidermolysis bullosa simplex 5C, with pyloric atresia (EBS5C). Also called: PLEC-Related Epidermolysis Bullosa with Pyloric Atresia; Epidermolysis bullosa simplex with pyloric atresia; PLEC1-Related Epidermolysis Bullosa with Pyloric Atresia. Identifiers: Orphanet 158684, MedGen C2677349, MONDO:0012807, OMIM 612138.
Epidermolysis bullosa simplex, Ogna type (EBS5A). Also called: Pidermolysis bullosa simplex 5A, Ogna type; EPIDERMOLYSIS BULLOSA SIMPLEX 5A, OGNA TYPE. Identifiers: Orphanet 79401, MedGen C0432317, MONDO:0007555, OMIM 131950.
Epidermolysis bullosa simplex 5B, with muscular dystrophy (EBS5B). Also called: EPIDERMOLYSIS BULLOSA SIMPLEX AND LIMB-GIRDLE MUSCULAR DYSTROPHY; Epidermolysis bullosa simplex with muscular dystrophy. Identifiers: Orphanet 257, MedGen C2931072, MONDO:0009181, OMIM 226670.

Allele frequency attached by ClinVar (database versions not stated): gnomAD 0.00004 and 0.00005; ExAC 0.00005; gnomAD exomes 0.00005; TOPMed 0.00011.
gnomAD v4.1: 78 of 1,585,798 alleles (0.0049%); highest among the groups gnomAD compares: Middle Eastern, 0.017%; no homozygotes.

Submissions (4):

PreventionGenetics, part of Exact Sciences
Classification: Likely benign for PLEC-related condition. Last evaluated: 2026-08-11. Review status: criteria provided, single submitter. Criteria: ACMG Guidelines, 2015. Collection method: clinical testing. Allele origin: germline.
Comment: This variant is classified as likely benign based on ACMG/AMP sequence variant interpretation guidelines (Richards et al. 2015 PMID: 25741868, with internal and published modifications).

Labcorp Genetics (formerly Invitae), Labcorp
Classification: Likely benign for Autosomal recessive limb-girdle muscular dystrophy type 2Q; Epidermolysis bullosa simplex, Ogna type; Epidermolysis bullosa simplex with nail dystrophy; Epidermolysis bullosa simplex 5C, with pyloric atresia; Epidermolysis bullosa simplex 5B, with muscular dystrophy. Last evaluated: 2025-05-27. Review status: criteria provided, single submitter. Criteria: Invitae Variant Classification Sherloc (09022015). Collection method: clinical testing. Allele origin: germline.

Blueprint Genetics
Classification: Likely benign. Last evaluated: 2024-07-16. Review status: criteria provided, single submitter. Criteria: ACMG Guidelines, 2015. Collection method: clinical testing. Allele origin: germline.

Breakthrough Genomics
Classification: Likely benign. Review status: criteria provided, single submitter. Criteria: ACMG Guidelines, 2015. Collection method: not provided. Allele origin: germline. Inheritance: Autosomal recessive inheritance. Affected: yes.

NM_201384.3(PLEC):c.5931G>A (p.Ala1977=)

Gene: PLEC (plectin; minus strand). Cytogenetic location: 8q24.3.
Variant type: single nucleotide variant.
Coding change: c.5931G>A on transcript NM_201384.3 (MANE Select); coding-DNA position 5931, G replaced by A.
Protein change: p.Ala1977=; no amino-acid change (alanine 1977 retained).
Molecular consequence: synonymous variant.
Genome position (GRCh38, 1-based): chr8:143,923,998, C>T on the plus strand (G>A on the coding strand, the complement: PLEC is on the minus strand). VCF-style: chr8-143923998-C-T. GRCh37 (hg19) VCF-style: chr8-144998166-C-T.
Other names: c.6012G>A, p.Ala2004= (NM_000445.5); c.5889G>A, p.Ala1963= (NM_201378.4); c.5865G>A, p.Ala1955= (NM_201379.3); c.6342G>A, p.Ala2114= (NM_201380.4); c.5835G>A, p.Ala1945= (NM_201381.3); c.5931G>A, p.Ala1977= (NM_201382.4); c.5943G>A, p.Ala1981= (NM_201383.3).
Identifiers: ClinVar variation 471619 (VCV000471619.13), dbSNP rs782739868, ClinGen allele CA4926187.